The following is an entry in ClinVar:

NM_012082.4(ZFPM2):c.125T>G (p.Leu42Trp)

Gene: ZFPM2 (zinc finger protein, FOG family member 2; plus strand). Cytogenetic location: 8q23.1.
Variant type: single nucleotide variant.
Coding change: c.125T>G on transcript NM_012082.4 (MANE Select); coding-DNA position 125, T replaced by G.
Protein change: p.Leu42Trp; replaces leucine 42 with tryptophan.
Molecular consequence: missense variant. On other transcripts: 5 prime UTR variant (1), intron variant (1).
Genome position (GRCh38, 1-based): chr8:105,419,228, T>G. VCF-style: chr8-105419228-T-G. GRCh37 (hg19) VCF-style: chr8-106431456-T-G.
Other names: c.-272T>G (NM_001362837.2); c.41-25052T>G (NM_001362836.2); short protein forms L42W.
Identifiers: ClinVar variation 2497771 (VCV002497771.1), dbSNP rs1586358616, ClinGen allele CA372025700.

ClinVar aggregate classification (germline): Uncertain significance (1 of 4 stars; one submission).

Submission:

GeneDx
Classification: Uncertain significance. Last evaluated: 2022-10-05. Review status: criteria provided, single submitter. Criteria: GeneDx Variant Classification Process June 2021. Collection method: clinical testing. Allele origin: germline. Affected: yes.
Comment: Not observed at significant frequency in large population cohorts (gnomAD); In silico analysis supports that this missense variant does not alter protein structure/function; Has not been previously published as pathogenic or benign to our knowledge